The following is an entry in ClinVar:

ClinVar aggregate classification (germline): Uncertain significance (1 of 4 stars; one submission).

Submission:

Labcorp Genetics (formerly Invitae), Labcorp
Classification: Uncertain significance. Last evaluated: 2021-05-11. Review status: criteria provided, single submitter. Criteria: Invitae Variant Classification Sherloc (09022015). Collection method: clinical testing. Allele origin: germline.
Comment: In summary, the available evidence is currently insufficient to determine the role of this variant in disease. Therefore, it has been classified as a Variant of Uncertain Significance. Algorithms developed to predict the effect of missense changes on protein structure and function (SIFT, PolyPhen-2, Align-GVGD) all suggest that this variant is likely to be tolerated, but these predictions have not been confirmed by published functional studies and their clinical significance is uncertain. This variant has not been reported in the literature in individuals with ERCC3-related conditions. This variant is not present in population databases (ExAC no frequency). This sequence change replaces arginine with leucine at codon 195 of the ERCC3 protein (p.Arg195Leu). The arginine residue is moderately conserved and there is a moderate physicochemical difference between arginine and leucine.

NM_000122.2(ERCC3):c.584G>T (p.Arg195Leu)

Gene: ERCC3 (ERCC excision repair 3, TFIIH core complex helicase subunit; minus strand). Cytogenetic location: 2q14.3.
Variant type: single nucleotide variant.
Coding change: c.584G>T on transcript NM_000122.2 (MANE Select); coding-DNA position 584, G replaced by T.
Protein change: p.Arg195Leu; replaces arginine 195 with leucine.
Molecular consequence: missense variant.
Genome position (GRCh38, 1-based): chr2:127,289,762, C>A on the plus strand (G>T on the coding strand, the complement: ERCC3 is on the minus strand). VCF-style: chr2-127289762-C-A. GRCh37 (hg19) VCF-style: chr2-128047338-C-A.
Other names: c.392G>T, p.Arg131Leu (NM_001303416.2, NM_001303418.2); short protein forms R131L, R195L.
Identifiers: ClinVar variation 1352361 (VCV001352361.8), dbSNP rs1467693328, ClinGen allele CA348391165.